The following is an entry in ClinVar:

ClinVar aggregate classification (germline): Uncertain significance (1 of 4 stars; one submission).

Conditions:
Deafness-lymphedema-leukemia syndrome. Also called: Lymphedema, primary, with myelodysplasia; Emberger syndrome. Identifiers: Orphanet 3226, MedGen C3279664, MONDO:0013540, OMIM 614038.
Monocytopenia with susceptibility to infections. Also called: GATA2 DEFICIENCY; MONOCYTOPENIA AND MYCOBACTERIAL INFECTION SYNDROME; MONOCYTOPENIA WITH SUSCEPTIBILITY TO MYCOBACTERIAL, FUNGAL, AND PAPILLOMAVIRUS INFECTIONS AND MYELODYSPLASIA; COMBINED IMMUNODEFICIENCY WITH SUSCEPTIBILITY TO MYCOBACTERIAL, VIRAL, AND FUNGAL INFECTIONS; Dendritic cell, monocyte, B lymphocyte, and natural killer lymphocyte deficiency; IMMUNODEFICIENCY 21. Identifiers: Orphanet 228423, MedGen C3280030, MONDO:0013607, OMIM 614172.

Submission:

Labcorp Genetics (formerly Invitae), Labcorp
Classification: Uncertain significance for Dendritic cell, monocyte, B lymphocyte, and natural killer lymphocyte deficiency; Lymphedema, primary, with myelodysplasia. Last evaluated: 2019-04-11. Review status: criteria provided, single submitter. Criteria: Invitae Variant Classification Sherloc (09022015). Collection method: clinical testing. Allele origin: germline.
Comment: This variant results in a copy number gain of the genomic region encompassing the full coding sequence of the GATA2 gene. The boundaries of this event are unknown as they extend beyond the assayed region for this gene and therefore may encompass additional genes. As the precise location of this event is unknown, it may be in tandem or it may be located elsewhere in the genome. This variant has not been reported in the literature in individuals with GATA2-related conditions. In summary, the available evidence is currently insufficient to determine the role of this variant in disease. Therefore, it has been classified as a Variant of Uncertain Significance.

NC_000003.12:g.(?_128481009)_(128487041_?)dup

Gene: GATA2 (GATA binding protein 2; minus strand). Cytogenetic location: 3q21.3.
Variant type: Duplication.
Identifiers: ClinVar variation 831902 (VCV000831902.1).